The following is an entry in ClinVar:

ClinVar aggregate classification (germline): Uncertain significance (1 of 4 stars; one submission).

Submission:

GeneDx
Classification: Uncertain significance. Last evaluated: 2026-04-02. Review status: criteria provided, single submitter. Criteria: GeneDx Variant Classification Process June 2021. Collection method: clinical testing. Allele origin: germline.
Comment: Not observed at significant frequency in large population cohorts (gnomAD); In silico analysis suggests that this missense variant does not alter protein structure/function; Has not been previously published as pathogenic or benign to our knowledge

NM_003185.4(TAF4):c.1150C>A (p.Pro384Thr)

Gene: TAF4 (TATA-box binding protein associated factor 4; minus strand). Cytogenetic location: 20q13.33.
Variant type: single nucleotide variant.
Coding change: c.1150C>A on transcript NM_003185.4 (MANE Select); coding-DNA position 1150, C replaced by A.
Protein change: p.Pro384Thr; replaces proline 384 with threonine.
Molecular consequence: missense variant.
Genome position (GRCh38, 1-based): chr20:62,064,661, G>T on the plus strand (C>A on the coding strand, the complement: TAF4 is on the minus strand). VCF-style: chr20-62064661-G-T. GRCh37 (hg19) VCF-style: chr20-60639717-G-T.
Other names: short protein forms P384T.
Identifiers: ClinVar variation 5018016 (VCV005018016.1).